The following is an entry in ClinVar:

ClinVar aggregate classification (germline): Benign (1 of 4 stars; one submission).

Allele frequency attached by ClinVar (database versions not stated): 1000 Genomes Project 0.00180; 1000 Genomes Project 30x 0.00250; TOPMed 0.00589 and 0.00612; gnomAD 0.00620 and 0.00683.

Submission:

CeGaT Center for Human Genetics Tuebingen
Classification: Benign. Last evaluated: 2023-07-01. Review status: criteria provided, single submitter. Criteria: CeGaT Center For Human Genetics Tuebingen Variant Classification Criteria Version 2. Collection method: clinical testing. Allele origin: germline. Affected: yes. Observed: 16 variant alleles.
Comment: SETBP1: BS1, BS2

NM_015559.3(SETBP1):c.-248G>T

Gene: SETBP1 (SET binding protein 1; plus strand). Cytogenetic location: 18q12.3.
Variant type: single nucleotide variant.
Coding change: c.-248G>T on transcript NM_015559.3 (MANE Select); 248 bases upstream of the start codon, G replaced by T.
Molecular consequence: 5 prime UTR variant. On other transcripts: intron variant (1).
Genome position (GRCh38, 1-based): chr18:44,680,946, G>T. VCF-style: chr18-44680946-G-T. GRCh37 (hg19) VCF-style: chr18-42260911-G-T.
Other names: c.-248G>T (LRG_1150t1); c.-173+551G>T (NM_001130110.2).
Identifiers: ClinVar variation 2571012 (VCV002571012.27), dbSNP rs563748893, ClinGen allele CA10650804.